The following is an entry in ClinVar:

ClinVar aggregate classification (germline): Uncertain significance (1 of 4 stars; one submission).

Conditions:
DYRK1B-related disorder. Also called: DYRK1B-related condition.

Allele frequency attached by ClinVar (database versions not stated): gnomAD 0.00002; gnomAD exomes 0.00002; ExAC 0.00004; TOPMed 0.00005.
gnomAD v4.1: 25 of 1,537,090 alleles (0.0016%); highest among the groups gnomAD compares: Admixed American, 0.021%; no homozygotes.

Submission:

PreventionGenetics, part of Exact Sciences
Classification: Uncertain significance for DYRK1B-related condition. Last evaluated: 2026-04-22. Review status: criteria provided, single submitter. Criteria: ACMG Guidelines, 2015. Collection method: clinical testing. Allele origin: germline.
Comment: The DYRK1B c.1666A>C variant is predicted to result in the amino acid substitution p.Thr556Pro. This variant has been previously observed in a cohort of individuals with abdominal obesity-metabolic syndrome 3 (Mendoza-Caamal et al. 2021. PubMed ID: 34193236). This variant is reported in 0.032% of alleles in individuals of Latino descent in gnomAD, which is likely too frequent to be a primary cause of disease. Although we suspect that this variant may be benign, at this time, the clinical significance of this variant is uncertain due to the absence of conclusive functional and genetic evidence.

NM_004714.3(DYRK1B):c.1666A>C (p.Thr556Pro)

Gene: DYRK1B (dual specificity tyrosine phosphorylation regulated kinase 1B; minus strand). Cytogenetic location: 19q13.2.
Variant type: single nucleotide variant.
Coding change: c.1666A>C on transcript NM_004714.3 (MANE Select); coding-DNA position 1666, A replaced by C.
Protein change: p.Thr556Pro; replaces threonine 556 with proline.
Molecular consequence: missense variant.
Genome position (GRCh38, 1-based): chr19:39,825,939, T>G on the plus strand (A>C on the coding strand, the complement: DYRK1B is on the minus strand). VCF-style: chr19-39825939-T-G. GRCh37 (hg19) VCF-style: chr19-40316579-T-G.
Other names: c.1546A>C, p.Thr516Pro (NM_006483.3); c.1582A>C, p.Thr528Pro (NM_006484.3); short protein forms T516P, T528P, T556P.
Identifiers: ClinVar variation 2634126 (VCV002634126.3), dbSNP rs771417583, ClinGen allele CA9433951.